The following is an entry in ClinVar:

ClinVar aggregate classification (germline): Uncertain significance (1 of 4 stars; one submission).

Conditions:
Catecholaminergic polymorphic ventricular tachycardia 1. Also called: VENTRICULAR TACHYCARDIA, STRESS-INDUCED POLYMORPHIC 1; VENTRICULAR TACHYCARDIA, CATECHOLAMINERGIC POLYMORPHIC, 1, WITH OR WITHOUT ATRIAL DYSFUNCTION AND/OR DILATED CARDIOMYOPATHY; RYR2-Related Catecholaminergic Polymorphic Ventricular Tachycardia. Identifiers: Orphanet 3286, MedGen C1631597, MONDO:0011484, OMIM 604772.

Allele frequency attached by ClinVar (database versions not stated): gnomAD 0.00001; gnomAD exomes 0.00001; TOPMed 0.00001.
gnomAD v4.1: 9 of 1,552,018 alleles (0.00058%); highest among the groups gnomAD compares: Non-Finnish European, 0.00078%; no homozygotes.

Submission:

Labcorp Genetics (formerly Invitae), Labcorp
Classification: Uncertain significance for Catecholaminergic polymorphic ventricular tachycardia 1. Last evaluated: 2023-06-09. Review status: criteria provided, single submitter. Criteria: Invitae Variant Classification Sherloc (09022015). Collection method: clinical testing. Allele origin: germline.
Comment: Advanced modeling of protein sequence and biophysical properties (such as structural, functional, and spatial information, amino acid conservation, physicochemical variation, residue mobility, and thermodynamic stability) has been performed at Invitae for this missense variant, however the output from this modeling did not meet the statistical confidence thresholds required to predict the impact of this variant on RYR2 protein function. This variant is present in population databases (no rsID available, gnomAD 0.002%). This sequence change replaces glutamine, which is neutral and polar, with arginine, which is basic and polar, at codon 1069 of the RYR2 protein (p.Gln1069Arg). This variant has not been reported in the literature in individuals affected with RYR2-related conditions. In summary, the available evidence is currently insufficient to determine the role of this variant in disease. Therefore, it has been classified as a Variant of Uncertain Significance.

NM_001035.3(RYR2):c.3206A>G (p.Gln1069Arg)

Gene: RYR2 (ryanodine receptor 2; plus strand). Cytogenetic location: 1q43.
Variant type: single nucleotide variant.
Coding change: c.3206A>G on transcript NM_001035.3 (MANE Select); coding-DNA position 3206, A replaced by G.
Protein change: p.Gln1069Arg; replaces glutamine 1069 with arginine.
Molecular consequence: missense variant.
Genome position (GRCh38, 1-based): chr1:237,550,683, A>G. VCF-style: chr1-237550683-A-G. GRCh37 (hg19) VCF-style: chr1-237713983-A-G.
Other names: short protein forms Q1069R.
Identifiers: ClinVar variation 2796409 (VCV002796409.3), dbSNP rs1449900096, ClinGen allele CA345395287.